The following is an entry in ClinVar:

ClinVar aggregate classification (germline): Uncertain significance. Review status: criteria provided, multiple submitters, no conflicts (2 of 4 stars). 3 submissions from 3 submitters: Uncertain significance (3). Last evaluated 2025-02-11.

Conditions:
Autosomal dominant nonsyndromic hearing loss 1. Also called: DEAFNESS, AUTOSOMAL DOMINANT 1, WITH OR WITHOUT THROMBOCYTOPENIA; KONIGSMARK SYNDROME. Identifiers: Orphanet 90635, MedGen C1852282, MONDO:0007424, OMIM 124900.
Progressive microcephaly-seizures-cortical blindness-developmental delay syndrome. Also called: Seizures, cortical blindness, and microcephaly syndrome. Identifiers: Orphanet 477814, MedGen C5567650, MONDO:0014714, OMIM 616632.

Allele frequency attached by ClinVar (database versions not stated): ExAC 0.00001; gnomAD exomes 0.00001 and 0.00002; TOPMed 0.00001.
gnomAD v4.1: 32 of 1,613,692 alleles (0.002%); highest among the groups gnomAD compares: Non-Finnish European, 0.0026%; no homozygotes.

Submissions (3):

Labcorp Genetics (formerly Invitae), Labcorp
Classification: Uncertain significance for Progressive microcephaly-seizures-cortical blindness-developmental delay syndrome; Autosomal dominant nonsyndromic hearing loss 1. Last evaluated: 2025-02-11. Review status: criteria provided, single submitter. Criteria: Invitae Variant Classification Sherloc (09022015). Collection method: clinical testing. Allele origin: germline.
Comment: This sequence change replaces isoleucine, which is neutral and non-polar, with threonine, which is neutral and polar, at codon 891 of the DIAPH1 protein (p.Ile891Thr). This variant is present in population databases (rs727502961, gnomAD 0.0009%). This missense change has been observed in individual(s) with autosomal dominant deafness (PMID: 37086329). ClinVar contains an entry for this variant (Variation ID: 163071). An algorithm developed to predict the effect of missense changes on protein structure and function (PolyPhen-2) suggests that this variant is likely to be disruptive. In summary, the available evidence is currently insufficient to determine the role of this variant in disease. Therefore, it has been classified as a Variant of Uncertain Significance.

Illumina Laboratory Services, Illumina
Classification: Uncertain significance for Autosomal dominant nonsyndromic hearing loss 1. Last evaluated: 2018-01-12. Review status: criteria provided, single submitter. Criteria: ICSL Variant Classification Criteria 13 December 2019. Collection method: clinical testing. Allele origin: germline.

Laboratory for Molecular Medicine, Mass General Brigham Personalized Medicine
Classification: Uncertain significance. Last evaluated: 2014-04-12. Review status: criteria provided, single submitter. Criteria: LMM Criteria. Collection method: clinical testing. Allele origin: germline. Observed: 1 variant allele.
Comment: The Ile891Thr variant in DIAPH1 has not been previously reported in individuals with hearing loss and was absent from large population studies. Computational p rediction tools and conservation analyses do not provide strong support for or a gainst an impact to the protein. In summary, additional information is needed to fully assess its clinical significance.

Literature cited by the submitters: PubMed 37086329 (cited by Labcorp Genetics (formerly Invitae), Labcorp).

NM_005219.5(DIAPH1):c.2672T>C (p.Ile891Thr)

Gene: DIAPH1 (diaphanous related formin 1; minus strand). Cytogenetic location: 5q31.3.
Variant type: single nucleotide variant.
Coding change: c.2672T>C on transcript NM_005219.5 (MANE Select); coding-DNA position 2672, T replaced by C.
Protein change: p.Ile891Thr; replaces isoleucine 891 with threonine.
Molecular consequence: missense variant.
Genome position (GRCh38, 1-based): chr5:141,529,607, A>G on the plus strand (T>C on the coding strand, the complement: DIAPH1 is on the minus strand). VCF-style: chr5-141529607-A-G. GRCh37 (hg19) VCF-style: chr5-140909174-A-G.
Other names: c.2645T>C, p.Ile882Thr (NM_001079812.3); c.2672T>C, p.Ile891Thr (NM_001314007.2); short protein forms I891T, I882T.
Identifiers: ClinVar variation 163071 (VCV000163071.11), dbSNP rs727502961, ClinGen allele CA175659.